The following is an entry in ClinVar:

NM_006231.4(POLE):c.2335C>T (p.Leu779Phe)

Gene: POLE (DNA polymerase epsilon, catalytic subunit; minus strand). Cytogenetic location: 12q24.33.
Variant type: single nucleotide variant.
Coding change: c.2335C>T on transcript NM_006231.4 (MANE Select); coding-DNA position 2335, C replaced by T.
Protein change: p.Leu779Phe; replaces leucine 779 with phenylalanine.
Molecular consequence: missense variant.
Genome position (GRCh38, 1-based): chr12:132,665,435, G>A on the plus strand (C>T on the coding strand, the complement: POLE is on the minus strand). VCF-style: chr12-132665435-G-A. GRCh37 (hg19) VCF-style: chr12-133242021-G-A.
Other names: short protein forms L779F.
Identifiers: ClinVar variation 1312396 (VCV001312396.12), dbSNP rs747478766, ClinGen allele CA6893584.

ClinVar aggregate classification (germline): Uncertain significance. Review status: criteria provided, multiple submitters, no conflicts (2 of 4 stars). 4 submissions from 4 submitters: Uncertain significance (4). Last evaluated 2025-11-12.

Conditions:
Intrauterine growth retardation, metaphyseal dysplasia, adrenal hypoplasia congenita, genital anomalies, and immunodeficiency. Also called: IMAGEI SYNDROME. Identifiers: MedGen C5193036, MONDO:0032684, OMIM 618336.
Facial dysmorphism-immunodeficiency-livedo-short stature syndrome. Also called: Facial dysmorphism, immunodeficiency, livedo, and short stature; FILS syndrome. Identifiers: Orphanet 352712, MedGen C3554576, MONDO:0014058, OMIM 615139.
Colorectal cancer, susceptibility to, 12 (CRCS12). Also called: COLORECTAL CANCER, SUSCEPTIBILITY TO, ON CHROMOSOME 12q24. Identifiers: Orphanet 220460, MedGen C3554460, MONDO:0014038, OMIM 615083.
Hereditary cancer-predisposing syndrome. Also called: Tumor predisposition; Neoplastic Syndromes, Hereditary; Hereditary Cancer Syndrome; Hereditary neoplastic syndrome. Identifiers: Orphanet 140162, MedGen C0027672, MeSH D009386, MONDO:0015356.

Allele frequency attached by ClinVar (database versions not stated): ExAC 0.00001; gnomAD exomes 0.00001.

Submissions (4):

Labcorp Genetics (formerly Invitae), Labcorp
Classification: Uncertain significance. Last evaluated: 2025-11-12. Review status: criteria provided, single submitter. Criteria: Invitae Variant Classification Sherloc (09022015). Collection method: clinical testing. Allele origin: germline.
Comment: This sequence change replaces leucine, which is neutral and non-polar, with phenylalanine, which is neutral and non-polar, at codon 779 of the POLE protein (p.Leu779Phe). This variant is present in population databases (rs747478766, gnomAD 0.009%). This variant has not been reported in the literature in individuals affected with POLE-related conditions. ClinVar contains an entry for this variant (Variation ID: 1312396). Invitae Evidence Modeling of protein sequence and biophysical properties (such as structural, functional, and spatial information, amino acid conservation, physicochemical variation, residue mobility, and thermodynamic stability) indicates that this missense variant is not expected to disrupt POLE protein function with a negative predictive value of 80%. In summary, the available evidence is currently insufficient to determine the role of this variant in disease. Therefore, it has been classified as a Variant of Uncertain Significance.

Fulgent Genetics
Classification: Uncertain significance for Colorectal cancer, susceptibility to, 12; Facial dysmorphism-immunodeficiency-livedo-short stature syndrome; Intrauterine growth retardation, metaphyseal dysplasia, adrenal hypoplasia congenita, genital anomalies, and immunodeficiency. Last evaluated: 2024-03-29. Review status: criteria provided, single submitter. Criteria: ACMG Guidelines, 2015. Collection method: clinical testing. Allele origin: germline.

Ambry Genetics
Classification: Uncertain significance for Hereditary cancer-predisposing syndrome. Last evaluated: 2024-02-02. Review status: criteria provided, single submitter. Criteria: Ambry Variant Classification Scheme 2023. Collection method: clinical testing. Allele origin: germline.
Comment: The p.L779F variant (also known as c.2335C>T), located in coding exon 21 of the POLE gene, results from a C to T substitution at nucleotide position 2335. The leucine at codon 779 is replaced by phenylalanine, an amino acid with highly similar properties. This amino acid position is conserved. In addition, this alteration is predicted to be tolerated by in silico analysis. Since supporting evidence is limited at this time, the clinical significance of this alteration remains unclear.

GeneDx
Classification: Uncertain significance. Last evaluated: 2019-09-13. Review status: criteria provided, single submitter. Criteria: GeneDx Variant Classification Process June 2021. Collection method: clinical testing. Allele origin: germline. Affected: yes.
Comment: Not observed at a significant frequency in large population cohorts (Lek et al., 2016); In silico analysis, which includes protein predictors and evolutionary conservation, supports that this variant does not alter protein structure/function; Has not been previously published as pathogenic or benign to our knowledge